The following is an entry in ClinVar:

ClinVar aggregate classification (germline): Conflicting classifications of pathogenicity. Review status: criteria provided, conflicting classifications (1 of 4 stars). 3 submissions from 3 submitters: Uncertain significance (2); Likely benign (1). Last evaluated 2025-09-29.

Conditions:
Ehlers-Danlos syndrome, classic type, 1 (EDSCL1). Also called: EHLERS-DANLOS SYNDROME, GRAVIS TYPE; EHLERS-DANLOS SYNDROME, SEVERE CLASSIC TYPE; Ehlers-Danlos syndrome, type 1; EDS I; Ehlers-Danlos Syndrome, Classic Type, COL5A1-Related. Identifiers: MedGen C0268335, MONDO:0019567, OMIM 130000.
Familial thoracic aortic aneurysm and aortic dissection (TAAD). Also called: Thoracic aortic aneurysms and dissections. Identifiers: Orphanet 91387, MedGen C4707243, MONDO:0019625.

Allele frequency attached by ClinVar (database versions not stated): TOPMed below 0.00001; ExAC 0.00002; gnomAD exomes 0.00004 and 0.00001; ESP Exome Variant Server 0.00008; gnomAD 0.00001.
gnomAD v4.1: 56 of 1,612,534 alleles (0.0035%); highest among the groups gnomAD compares: Non-Finnish European, 0.0046%; no homozygotes.

Submissions (3):

Labcorp Genetics (formerly Invitae), Labcorp
Classification: Likely benign for Ehlers-Danlos syndrome, classic type, 1. Last evaluated: 2025-09-29. Review status: criteria provided, single submitter. Criteria: Invitae Variant Classification Sherloc (09022015). Collection method: clinical testing. Allele origin: germline.

Ambry Genetics
Classification: Uncertain significance for Familial thoracic aortic aneurysm and aortic dissection. Last evaluated: 2025-05-25. Review status: criteria provided, single submitter. Criteria: Ambry Variant Classification Scheme 2023. Collection method: clinical testing. Allele origin: germline.
Comment: The c.2808G>T variant (also known as p.G936G), located in coding exon 42 of the COL5A2 gene, results from a G to T substitution at nucleotide position 2808. This nucleotide substitution does not change the glycine at codon 936. This nucleotide position is not well conserved in available vertebrate species. In silico splice site analysis for this alteration is inconclusive. Based on the available evidence, the clinical significance of this variant remains unclear.

GeneDx
Classification: Uncertain significance. Last evaluated: 2020-02-10. Review status: criteria provided, single submitter. Criteria: GeneDx Variant Classification Process June 2021. Collection method: clinical testing. Allele origin: germline. Affected: yes.
Comment: Not observed at a significant frequency in large population cohorts (Lek et al., 2016); Has not been previously published as pathogenic or benign to our knowledge; In silico analysis, which includes splice predictors and evolutionary conservation, suggests this variant may impact gene splicing; in the absence of RNA/functional studies, the actual effect of this sequence change is unknown

NM_000393.5(COL5A2):c.2808G>T (p.Gly936=)

Gene: COL5A2 (collagen type V alpha 2 chain; minus strand). Cytogenetic location: 2q32.2.
Variant type: single nucleotide variant.
Coding change: c.2808G>T on transcript NM_000393.5 (MANE Select); coding-DNA position 2808, G replaced by T.
Protein change: p.Gly936=; no amino-acid change (glycine 936 retained).
Molecular consequence: synonymous variant.
Genome position (GRCh38, 1-based): chr2:189,051,443, C>A on the plus strand (G>T on the coding strand, the complement: COL5A2 is on the minus strand). VCF-style: chr2-189051443-C-A. GRCh37 (hg19) VCF-style: chr2-189916169-C-A.
Identifiers: ClinVar variation 1315412 (VCV001315412.10), dbSNP rs141089340, ClinGen allele CA2022176.